The following is an entry in ClinVar:

NM_005592.4(MUSK):c.1613C>G (p.Thr538Arg)

Gene: MUSK (muscle associated receptor tyrosine kinase; plus strand). Cytogenetic location: 9q31.3.
Variant type: single nucleotide variant.
Coding change: c.1613C>G on transcript NM_005592.4 (MANE Select); coding-DNA position 1613, C replaced by G.
Protein change: p.Thr538Arg; replaces threonine 538 with arginine.
Molecular consequence: missense variant.
Genome position (GRCh38, 1-based): chr9:110,785,553, C>G. VCF-style: chr9-110785553-C-G. GRCh37 (hg19) VCF-style: chr9-113547833-C-G.
Other names: c.1355C>G, p.Thr452Arg (NM_001166280.2); c.1325C>G, p.Thr442Arg (NM_001166281.2); c.353C>G, p.Thr118Arg (NM_001369398.1); c.1613C>G (NM_005592.3); short protein forms T442R, T118R, T538R, T452R.
Identifiers: ClinVar variation 1043377 (VCV001043377.9), dbSNP rs928134595, ClinGen allele CA198357682.

ClinVar aggregate classification (germline): Uncertain significance. Review status: criteria provided, multiple submitters, no conflicts (2 of 4 stars). 2 submissions from 2 submitters: Uncertain significance (2). Last evaluated 2022-06-20.

Conditions:
Congenital myasthenic syndrome 9. Also called: Myasthenic syndrome, congenital, 9, associated with acetylcholine receptor deficiency. Identifiers: Orphanet 590, MedGen C4225368, MONDO:0014587, OMIM 616325.
Fetal akinesia deformation sequence 1 (FADS1). Also called: Fetal akinesia sequence; Pena-Shokeir syndrome type I. Identifiers: Orphanet 994, MedGen C1276035, MONDO:0100101, OMIM 208150, HP:0001989.

Allele frequency attached by ClinVar (database versions not stated): gnomAD exomes below 0.00001; TOPMed 0.00002.
gnomAD v4.1: 11 of 1,612,080 alleles (0.00068%); highest among the groups gnomAD compares: Non-Finnish European, 0.00093%; no homozygotes.

Submissions (2):

Labcorp Genetics (formerly Invitae), Labcorp
Classification: Uncertain significance for Congenital myasthenic syndrome 9; Fetal akinesia deformation sequence 1. Last evaluated: 2022-06-20. Review status: criteria provided, single submitter. Criteria: Invitae Variant Classification Sherloc (09022015). Collection method: clinical testing. Allele origin: germline.
Comment: This sequence change replaces threonine, which is neutral and polar, with arginine, which is basic and polar, at codon 538 of the MUSK protein (p.Thr538Arg). In summary, the available evidence is currently insufficient to determine the role of this variant in disease. Therefore, it has been classified as a Variant of Uncertain Significance. Algorithms developed to predict the effect of missense changes on protein structure and function are either unavailable or do not agree on the potential impact of this missense change (SIFT: "Deleterious"; PolyPhen-2: "Possibly Damaging"; Align-GVGD: "Class C15"). ClinVar contains an entry for this variant (Variation ID: 1043377). This variant has not been reported in the literature in individuals affected with MUSK-related conditions. This variant is present in population databases (no rsID available, gnomAD 0.0009%).

Revvity Omics, Revvity
Classification: Uncertain significance. Last evaluated: 2019-12-03. Review status: criteria provided, single submitter. Criteria: ACMG Guidelines, 2015. Collection method: clinical testing. Allele origin: germline.